The following is an entry in ClinVar:

NM_199189.3(MATR3):c.-247C>T

Genes: MATR3 (matrin 3; plus strand), SNHG4 (small nucleolar RNA host gene 4; plus strand). Cytogenetic location: 5q31.2.
Variant type: single nucleotide variant.
Coding change: c.-247C>T on transcript NM_199189.3; 247 bases upstream of the start codon, C replaced by T.
Molecular consequence: 5 prime UTR variant. On other transcripts: non-coding transcript variant (10), intron variant (5).
Genome position (GRCh38, 1-based): chr5:139,279,060, C>T. VCF-style: chr5-139279060-C-T. GRCh37 (hg19) VCF-style: chr5-138614749-C-T.
Other names: c.-247C>T (NM_001194954.2, NM_001400442.1, NM_001400450.1); c.-172C>T (NM_001282278.2, NM_001400460.1, NM_001400464.1); c.-370C>T (NM_001400444.1, NM_001400448.1, NM_001400451.1 and 1 more transcripts); c.-494C>T (NM_001400452.1); c.-371C>T (NM_001400454.1); c.-143C>T (NM_001400459.1); c.-110C>T (NM_001400462.1); c.-295C>T (NM_001400463.1); and 3 more.
Identifiers: ClinVar variation 351112 (VCV000351112.7), dbSNP rs141402332, ClinGen allele CA3432821.
Genomic context (GRCh38, chr5:139,279,060, plus strand): 5'-GACAGGTTGTCTTAGGGACAGCCTGTCATTCTTTACCTCTTTGAATCCTAGATGCCTTCA[C>T]CTGAATGACATCTACCTCCATCAGGACCCCAGATGTCTGACAGCCCTGTGTGACACCAAG-3'

ClinVar aggregate classification (germline): Benign (1 of 4 stars; one submission).

Conditions:
Amyotrophic lateral sclerosis type 21. Also called: VOCAL CORD AND PHARYNGEAL DYSFUNCTION WITH DISTAL MYOPATHY; MYOPATHY, DISTAL, 2. Identifiers: Orphanet 600, Orphanet 803, MedGen C3807521, MONDO:0011632, OMIM 606070.

Allele frequency attached by ClinVar (database versions not stated): gnomAD 0.00139 and 0.00112; gnomAD exomes 0.00362 and 0.00144; TOPMed 0.00254; ExAC 0.00336; 1000 Genomes Project 0.00679; 1000 Genomes Project 30x 0.00703.

Submission:

Illumina Laboratory Services, Illumina
Classification: Benign for Amyotrophic lateral sclerosis type 21. Last evaluated: 2018-01-13. Review status: criteria provided, single submitter. Criteria: ICSL Variant Classification Criteria 13 December 2019. Collection method: clinical testing. Allele origin: germline.
Comment: This variant was observed in the ICSL laboratory as part of a predisposition screen in an ostensibly healthy population. It had not been previously curated by ICSL or reported in the Human Gene Mutation Database (HGMD: prior to June 1st, 2018), and was therefore a candidate for classification through an automated scoring system. Utilizing variant allele frequency, disease prevalence and penetrance estimates, and inheritance mode, an automated score was calculated to assess if this variant is too frequent to cause the disease. Based on the score and internal cut-off values, a variant classified as benign is not then subjected to further curation. The score for this variant resulted in a classification of benign for this disease.